The following is an entry in ClinVar:

NM_206926.2(SELENON):c.4G>T (p.Gly2Cys)

Gene: SELENON (selenoprotein N; plus strand). Cytogenetic location: 1p36.11.
Variant type: single nucleotide variant.
Coding change: c.4G>T on transcript NM_206926.2 (MANE Select); coding-DNA position 4, G replaced by T.
Protein change: p.Gly2Cys; replaces glycine 2 with cysteine.
Molecular consequence: missense variant.
Genome position (GRCh38, 1-based): chr1:25,800,234, G>T. VCF-style: chr1-25800234-G-T. GRCh37 (hg19) VCF-style: chr1-26126725-G-T.
Other names: c.4G>T, p.Gly2Cys (NM_020451.3); short protein forms G2C.
Identifiers: ClinVar variation 426515 (VCV000426515.22), dbSNP rs982364753, ClinGen allele CA19693113.

ClinVar aggregate classification (germline): Uncertain significance. Review status: criteria provided, multiple submitters, no conflicts (2 of 4 stars). 5 submissions from 5 submitters: Uncertain significance (5). Last evaluated 2025-04-13.

Conditions:
Eichsfeld type congenital muscular dystrophy (CMYO3). Also called: MYOPATHY, SEPN1-RELATED; SELENON-related myopathy; Congenital myopathy 3 with rigid spine; Rigid spine muscular dystrophy 1. Identifiers: MedGen C0410180, MONDO:0100100, OMIM 602771.
Congenital myopathy with fiber type disproportion. Also called: Congenital fiber-type disproportion myopathy; Congenital fiber-type disproportion. Identifiers: Orphanet 2020, MedGen C0546264, MONDO:0009711. Inheritance: all.
Inborn genetic diseases. Identifiers: MedGen C0950123, MeSH D030342.

Allele frequency attached by ClinVar (database versions not stated): gnomAD 0.00025 and 0.00028; TOPMed 0.00027.

Submissions (5):

Ambry Genetics
Classification: Uncertain significance for Inborn genetic diseases. Last evaluated: 2025-04-13. Review status: criteria provided, single submitter. Criteria: Ambry Variant Classification Scheme 2023. Collection method: clinical testing. Allele origin: germline.

Revvity Omics, Revvity
Classification: Uncertain significance for Eichsfeld type congenital muscular dystrophy. Last evaluated: 2024-01-23. Review status: criteria provided, single submitter. Criteria: ACMG Guidelines, 2015. Collection method: clinical testing. Allele origin: germline.

Labcorp Genetics (formerly Invitae), Labcorp
Classification: Uncertain significance for Eichsfeld type congenital muscular dystrophy. Last evaluated: 2022-10-18. Review status: criteria provided, single submitter. Criteria: Invitae Variant Classification Sherloc (09022015). Collection method: clinical testing. Allele origin: germline.
Comment: This sequence change replaces glycine, which is neutral and non-polar, with cysteine, which is neutral and slightly polar, at codon 2 of the SELENON protein (p.Gly2Cys). This variant is present in population databases (no rsID available, gnomAD 0.02%). This variant has not been reported in the literature in individuals affected with SELENON-related conditions. ClinVar contains an entry for this variant (Variation ID: 426515). Advanced modeling of protein sequence and biophysical properties (such as structural, functional, and spatial information, amino acid conservation, physicochemical variation, residue mobility, and thermodynamic stability) has been performed at Invitae for this missense variant, however the output from this modeling did not meet the statistical confidence thresholds required to predict the impact of this variant on SELENON protein function. In summary, the available evidence is currently insufficient to determine the role of this variant in disease. Therefore, it has been classified as a Variant of Uncertain Significance.

Fulgent Genetics
Classification: Uncertain significance for Congenital myopathy 4A, autosomal dominant; Eichsfeld type congenital muscular dystrophy. Last evaluated: 2021-10-08. Review status: criteria provided, single submitter. Criteria: ACMG Guidelines, 2015. Collection method: clinical testing. Allele origin: unknown.

GeneDx
Classification: Uncertain significance. Last evaluated: 2020-10-01. Review status: criteria provided, single submitter. Criteria: GeneDx Variant Classification Process June 2021. Collection method: clinical testing. Allele origin: germline. Affected: yes.
Comment: In silico analysis supports that this missense variant does not alter protein structure/function; Has not been previously published as pathogenic or benign to our knowledge